The following is an entry in ClinVar:

NM_032340.4(UQCC2):c.337_339del (p.Glu113del)

Gene: UQCC2 (ubiquinol-cytochrome c reductase complex assembly factor 2; minus strand). Cytogenetic location: 6p21.31.
Variant type: Deletion.
Coding change: c.337_339del on transcript NM_032340.4 (MANE Select); coding-DNA positions 337 to 339, 3 bases deleted (GAG; older notation c.337_339delGAG).
Protein change: p.Glu113del; deletes glutamic acid 113.
Molecular consequence: inframe deletion.
Genome position (GRCh38, 1-based): chr6:33,697,695-33,697,697, CTC deleted on the plus strand (GAG on the coding strand, the reverse complement: UQCC2 is on the minus strand); deleting any 3 consecutive bases within chr6:33,697,695-33,697,699 gives the same sequence; the c. name uses the placement nearest the transcript's 3' end. VCF-style (leftmost placement, unchanged base first): chr6-33697694-TCTC-T. GRCh37 (hg19) VCF-style: chr6-33665471-TCTC-T.
Other names: short protein forms E113del.
Identifiers: ClinVar variation 4754719 (VCV004754719.1).
Genomic context (GRCh38, chr6:33,697,694, plus strand): 5'-CACGAGGTAAGGCCTGAGCTCAGGCCTTATGATCCTCCTCAGGACCCTTGGGGGCAAACT[TCTC>T]CTGCAGTTTCTTCCACATGCCTTTATCTATTTCCTTAAGCTCTTCCAAGGTGTCTGCAAA-3'

ClinVar aggregate classification (germline): Uncertain significance (1 of 4 stars; one submission).

Submission:

Labcorp Genetics (formerly Invitae), Labcorp
Classification: Uncertain significance. Last evaluated: 2025-10-18. Review status: criteria provided, single submitter. Criteria: Invitae Variant Classification Sherloc (09022015). Collection method: clinical testing. Allele origin: germline.
Comment: This variant, c.337_339del, results in the deletion of 1 amino acid(s) of the UQCC2 protein (p.Glu113del), but otherwise preserves the integrity of the reading frame. This variant is present in population databases (rs557873338, gnomAD 0.08%), and has an allele count higher than expected for a pathogenic variant. This variant has not been reported in the literature in individuals affected with UQCC2-related conditions. Experimental studies and prediction algorithms are not available or were not evaluated, and the functional significance of this variant is currently unknown. In summary, the available evidence is currently insufficient to determine the role of this variant in disease. Therefore, it has been classified as a Variant of Uncertain Significance.